The following is an entry in ClinVar:

NM_002474.3(MYH11):c.3045T>C (p.Leu1015=)

Gene: MYH11 (myosin heavy chain 11; minus strand). Cytogenetic location: 16p13.11.
Variant type: single nucleotide variant.
Coding change: c.3045T>C on transcript NM_002474.3 (MANE Select); coding-DNA position 3045, T replaced by C.
Protein change: p.Leu1015=; no amino-acid change (leucine 1015 retained).
Molecular consequence: synonymous variant.
Genome position (GRCh38, 1-based): chr16:15,738,641, A>G on the plus strand (T>C on the coding strand, the complement: MYH11 is on the minus strand). VCF-style: chr16-15738641-A-G. GRCh37 (hg19) VCF-style: chr16-15832498-A-G.
Other names: c.3066T>C, p.Leu1022= (NM_001040113.2, NM_001040114.2); c.3045T>C, p.Leu1015= (NM_022844.3).
Identifiers: ClinVar variation 2063320 (VCV002063320.5), dbSNP rs764089203, ClinGen allele CA7922102.

ClinVar aggregate classification (germline): Likely benign. Review status: criteria provided, multiple submitters, no conflicts (2 of 4 stars). 2 submissions from 2 submitters: Likely benign (2). Last evaluated 2023-05-16.

Conditions:
Aortic aneurysm, familial thoracic 4 (AAT4). Also called: AORTIC ANEURYSM/AORTIC DISSECTION AND PATENT DUCTUS ARTERIOSUS. Identifiers: MedGen C1851504, MONDO:0007568, OMIM 132900.
Familial thoracic aortic aneurysm and aortic dissection (TAAD). Also called: Thoracic aortic aneurysms and dissections. Identifiers: Orphanet 91387, MedGen C4707243, MONDO:0019625.

Allele frequency attached by ClinVar (database versions not stated): gnomAD exomes below 0.00001; TOPMed below 0.00001; ExAC 0.00001.
gnomAD v4.1: 2 of 1,614,062 alleles (0.00012%); highest among the groups gnomAD compares: Non-Finnish European, 0.00017%; no homozygotes.

Submissions (2):

All of Us Research Program, National Institutes of Health
Classification: Likely benign for Familial thoracic aortic aneurysm and aortic dissection. Last evaluated: 2023-05-16. Review status: criteria provided, single submitter. Criteria: ACMG Guidelines, 2015. Collection method: clinical testing. Allele origin: germline. Inheritance: Autosomal dominant inheritance. Observed: 1 variant allele, 1 heterozygote.
Comment: This study involves interpretation of variants in research participants for the purpose of population health screening. Participant phenotype was not available at the time of variant classification. Additional details can be found in publication PMID: 35346344, PMCID: PMC8962531

Labcorp Genetics (formerly Invitae), Labcorp
Classification: Likely benign for Aortic aneurysm, familial thoracic 4. Last evaluated: 2022-04-15. Review status: criteria provided, single submitter. Criteria: Invitae Variant Classification Sherloc (09022015). Collection method: clinical testing. Allele origin: germline.